The following is an entry in ClinVar:

ClinVar aggregate classification (germline): Uncertain significance (1 of 4 stars; one submission).

Allele frequency attached by ClinVar (database versions not stated): gnomAD 0.00002 and 0.00003; ExAC 0.00003; TOPMed 0.00004; gnomAD exomes 0.00006 and 0.00007; 1000 Genomes Project 30x 0.00016; 1000 Genomes Project 0.00020.
gnomAD v4.1: 104 of 1,613,070 alleles (0.0064%); highest among the groups gnomAD compares: East Asian, 0.0089%; no homozygotes.

Submission:

Labcorp Genetics (formerly Invitae), Labcorp
Classification: Uncertain significance. Last evaluated: 2025-08-04. Review status: criteria provided, single submitter. Criteria: Invitae Variant Classification Sherloc (09022015). Collection method: clinical testing. Allele origin: germline.
Comment: This sequence change replaces valine, which is neutral and non-polar, with isoleucine, which is neutral and non-polar, at codon 1369 of the NLRP1 protein (p.Val1369Ile). This variant is present in population databases (rs181358292, gnomAD 0.02%). This variant has not been reported in the literature in individuals affected with NLRP1-related conditions. ClinVar contains an entry for this variant (Variation ID: 1439613). An algorithm developed to predict the effect of missense changes on protein structure and function (PolyPhen-2) suggests that this variant is likely to be tolerated. In summary, the available evidence is currently insufficient to determine the role of this variant in disease. Therefore, it has been classified as a Variant of Uncertain Significance.

NM_033004.4(NLRP1):c.4105G>A (p.Val1369Ile)

Gene: NLRP1 (NLR family pyrin domain containing 1; minus strand). Cytogenetic location: 17p13.2.
Variant type: single nucleotide variant.
Coding change: c.4105G>A on transcript NM_033004.4 (MANE Select); coding-DNA position 4105, G replaced by A.
Protein change: p.Val1369Ile; replaces valine 1369 with isoleucine.
Molecular consequence: missense variant. On other transcripts: intron variant (1).
Genome position (GRCh38, 1-based): chr17:5,515,071, C>T on the plus strand (G>A on the coding strand, the complement: NLRP1 is on the minus strand). VCF-style: chr17-5515071-C-T. GRCh37 (hg19) VCF-style: chr17-5418391-C-T.
Other names: c.3973G>A, p.Val1325Ile (NM_014922.5); c.4015G>A, p.Val1339Ile (NM_033006.4); c.3883G>A, p.Val1295Ile (NM_033007.4); c.4069+2675G>A (NM_001033053.3); short protein forms V1325I, V1339I, V1295I, V1369I.
Identifiers: ClinVar variation 1439613 (VCV001439613.8), dbSNP rs181358292, ClinGen allele CA8326625.